The following is an entry in ClinVar:

ClinVar aggregate classification (germline): Pathogenic (1 of 4 stars; one submission).

Submission:

Genetic Services Laboratory, University of Chicago
Classification: Pathogenic. Last evaluated: 2020-05-11. Review status: criteria provided, single submitter. Criteria: ACMG Guidelines, 2015. Collection method: clinical testing. Allele origin: germline. Affected: yes.
Comment: DNA sequence analysis of the KDM6A gene demonstrated a single base pair deletion in exon 20, c.2982del. This pathogenic sequence change results in an amino acid frameshift and creates a premature stop codon 4 amino acids downstream of the mutation, p.Asn994Lysfs*5. This sequence change is predicted to result in an abnormal transcript, which may be degraded, or may lead to the production of a truncated KDM6A protein with potentially abnormal function. This pathogenic sequence change is absent from known population databases (gnomAD) and has not been reported previously in patients with KDM6A-related disorders.

NM_001291415.2(KDM6A):c.3138del (p.Asn1046fs)

Gene: KDM6A (lysine demethylase 6A; plus strand). Cytogenetic location: Xp11.3.
Variant type: Deletion.
Coding change: c.3138del on transcript NM_001291415.2 (MANE Select); coding-DNA position 3138, one base deleted (T; older notation c.3138delT).
Protein change: p.Asn1046fs; shifts the reading frame from asparagine 1046.
Molecular consequence: frameshift variant. On other transcripts: non-coding transcript variant (1).
Genome position (GRCh38, 1-based): chrX:45,079,189, T deleted. VCF-style (leftmost placement, unchanged base first): chrX-45079188-AT-A. GRCh37 (hg19) VCF-style: chrX-44938433-AT-A.
Other names: c.3003del, p.Asn1001fs (NM_001291416.2); c.2847del, p.Asn949fs (NM_001291417.2); c.2745del, p.Asn915fs (NM_001291418.2); c.2094del, p.Asn698fs (NM_001291421.2); c.2982del, p.Asn994fs (NM_021140.4); short protein forms N1001fs, N1046fs, N698fs, N915fs, N949fs, N994fs.
Identifiers: ClinVar variation 1338587 (VCV001338587.4), dbSNP rs2148118664, ClinGen allele CA2573055328.